The following is an entry in ClinVar:

ClinVar aggregate classification (germline): Uncertain significance (1 of 4 stars; one submission).

Conditions:
Holoprosencephaly 4 (HPE4). Identifiers: Orphanet 2162, MedGen C1840528, MONDO:0007734, OMIM 142946.

Allele frequency attached by ClinVar (database versions not stated): gnomAD exomes below 0.00001; TOPMed below 0.00001; ExAC 0.00001; gnomAD 0.00001.
gnomAD v4.1: 6 of 1,614,054 alleles (0.00037%); highest among the groups gnomAD compares: Admixed American, 0.0033%; no homozygotes.

Submission:

Labcorp Genetics (formerly Invitae), Labcorp
Classification: Uncertain significance for Holoprosencephaly 4. Last evaluated: 2022-08-01. Review status: criteria provided, single submitter. Criteria: Invitae Variant Classification Sherloc (09022015). Collection method: clinical testing. Allele origin: germline.
Comment: In summary, the available evidence is currently insufficient to determine the role of this variant in disease. Therefore, it has been classified as a Variant of Uncertain Significance. This sequence change replaces threonine, which is neutral and polar, with asparagine, which is neutral and polar, at codon 139 of the TGIF1 protein (p.Thr139Asn). This variant is present in population databases (rs769260397, gnomAD 0.003%). This variant has not been reported in the literature in individuals affected with TGIF1-related conditions. Algorithms developed to predict the effect of missense changes on protein structure and function (SIFT, PolyPhen-2, Align-GVGD) all suggest that this variant is likely to be tolerated.

NM_003244.4(TGIF1):c.416C>A (p.Thr139Asn)

Gene: TGIF1 (TGFB induced factor homeobox 1; plus strand). Cytogenetic location: 18p11.31.
Variant type: single nucleotide variant.
Coding change: c.416C>A on transcript NM_003244.4 (MANE Select); coding-DNA position 416, C replaced by A.
Protein change: p.Thr139Asn; replaces threonine 139 with asparagine.
Molecular consequence: missense variant.
Genome position (GRCh38, 1-based): chr18:3,457,537, C>A. VCF-style: chr18-3457537-C-A. GRCh37 (hg19) VCF-style: chr18-3457535-C-A.
Other names: c.425C>A, p.Thr142Asn (NM_001278682.2); c.416C>A, p.Thr139Asn (NM_001278684.2, NM_173208.3); c.356C>A, p.Thr119Asn (NM_001278686.3, NM_001374396.1, NM_001374397.1 and 5 more transcripts); c.458C>A, p.Thr153Asn (NM_173207.4); short protein forms T139N, T119N, T142N, T153N.
Identifiers: ClinVar variation 2158745 (VCV002158745.4), dbSNP rs769260397, ClinGen allele CA8875950.
Genomic context (GRCh38, chr18:3,457,537, plus strand): 5'-AAACGAGCTCTGTGGAGTCCGTGATGGGCATCAAAAACTTCATGCCAGCTCTAGAGGAGA[C>A]CCCATTTCATTCCTGTACAGCTGGGCCAAACCCAACCCTAGGGAGGCCACTGTCTCCTAA-3'
Protein context (NP_003235.1, residues 129-149): IKNFMPALEE[Thr139Asn]PFHSCTAGPN